The following is an entry in ClinVar:

NM_145200.5(CABP4):c.541+1G>T

Gene: CABP4 (calcium binding protein 4; plus strand). Cytogenetic location: 11q13.2.
Variant type: single nucleotide variant.
Coding change: c.541+1G>T on transcript NM_145200.5 (MANE Select); the canonical splice donor site of the intron after coding-DNA position 541, G replaced by T.
Molecular consequence: splice donor variant.
Genome position (GRCh38, 1-based): chr11:67,456,443, G>T. VCF-style: chr11-67456443-G-T. GRCh37 (hg19) VCF-style: chr11-67223914-G-T.
Other names: c.226+1G>T (NM_001379183.1, NM_001300896.3, NM_001300895.3).
Identifiers: ClinVar variation 1454902 (VCV001454902.8), dbSNP rs2135178682, ClinGen allele CA381530905.

ClinVar aggregate classification (germline): Pathogenic (1 of 4 stars; one submission).

Submission:

Labcorp Genetics (formerly Invitae), Labcorp
Classification: Pathogenic. Last evaluated: 2023-05-30. Review status: criteria provided, single submitter. Criteria: Invitae Variant Classification Sherloc (09022015). Collection method: clinical testing. Allele origin: germline.
Comment: For these reasons, this variant has been classified as Pathogenic. Algorithms developed to predict the effect of sequence changes on RNA splicing suggest that this variant may disrupt the consensus splice site. ClinVar contains an entry for this variant (Variation ID: 1454902). Disruption of this splice site has been observed in individual(s) with inherited retinal dystrophy (Invitae). In at least one individual the data is consistent with being in trans (on the opposite chromosome) from a pathogenic variant. This variant is not present in population databases (gnomAD no frequency). This sequence change affects a donor splice site in intron 3 of the CABP4 gene. It is expected to disrupt RNA splicing. Variants that disrupt the donor or acceptor splice site typically lead to a loss of protein function (PMID: 16199547), and loss-of-function variants in CABP4 are known to be pathogenic (PMID: 25307992).

Literature cited by the submitters: PubMed 16199547; PubMed 25307992.